The following is an entry in ClinVar:

ClinVar aggregate classification (germline): Likely pathogenic (1 of 4 stars; one submission).

Conditions:
Fabry disease. Also called: ALPHA-GALACTOSIDASE A DEFICIENCY; ANDERSON-FABRY DISEASE; CERAMIDE TRIHEXOSIDASE DEFICIENCY; GLA DEFICIENCY; HEREDITARY DYSTOPIC LIPIDOSIS; Angiokeratoma corporis diffusum. Identifiers: Orphanet 324, MedGen C0002986, MONDO:0010526, OMIM 301500, HP:0001071. Disease mechanism: Fabry disease is due to inactivating mutations in the X-linked GLA gene resulting in deficiency of the enzyme Alpha Galactosidase-A., loss of function.

Submission:

Genomenon, Inc
Classification: Likely pathogenic for Fabry disease. Last evaluated: 2026-09-08. Review status: criteria provided, single submitter. Criteria: Genomenon Sequence Variant Interpretation Standards - Updated. Collection method: curation. Allele origin: germline. Affected: yes.
Comment: GLA p.Ala257Pro (c.769G>C) is a missense variant that changes the amino acid at codon 257 from Alanine to Proline. This variant has been observed in at least one proband with clinical features consistent with Fabry disease (PMID:28736719;39609713;40784937). A de novo occurrence of this variant has been observed in at least one affected individual (PMID:39609713). Functional or patient cell studies have been reported (PMID:27657681;39609713). It is absent or not present at a significant frequency in gnomAD. In silico models predict that this variant is possibly or probably damaging. In conclusion, we classify GLA p.Ala257Pro (c.769G>C) as a likely pathogenic variant.

Literature cited by the submitters: PubMed 28736719; PubMed 39609713; PubMed 40784937; PubMed 27657681.

NM_000169.3(GLA):c.769G>C (p.Ala257Pro)

Genes: GLA (galactosidase alpha; minus strand), RPL36A-HNRNPH2 (RPL36A-HNRNPH2 readthrough; plus strand). Cytogenetic location: Xq22.1.
Variant type: single nucleotide variant.
Coding change: c.769G>C on transcript NM_000169.3 (MANE Select); coding-DNA position 769, G replaced by C.
Protein change: p.Ala257Pro; replaces alanine 257 with proline.
Molecular consequence: missense variant. On other transcripts: non-coding transcript variant (3), intron variant (2).
Genome position (GRCh38, 1-based): chrX:101,398,817, C>G on the plus strand (G>C on the coding strand, the complement: GLA is on the minus strand). VCF-style: chrX-101398817-C-G. GRCh37 (hg19) VCF-style: chrX-100653805-C-G.
Other names: c.892G>C, p.Ala298Pro (NM_001406747.1); c.769G>C, p.Ala257Pro (NM_001406748.1); c.300+3360C>G (NM_001199973.2); c.177+6995C>G (NM_001199974.2); short protein forms A257P, A298P.
Identifiers: ClinVar variation 4087500 (VCV004087500.2).